The following is an entry in ClinVar:

ClinVar aggregate classification (germline): Likely pathogenic. Review status: reviewed by expert panel (3 of 4 stars). 5 submissions from 5 submitters: Likely pathogenic (1). 4 of the submissions do not count toward it. Last evaluated 2025-08-05.

Conditions:
Glycogen storage disease, type II (IOPD). Also called: POMPE DISEASE, INFANTILE-ONSET; GLYCOGEN STORAGE DISEASE II, INFANTILE-ONSET; ACID ALPHA-GLUCOSIDASE DEFICIENCY, INFANTILE-ONSET; GAA DEFICIENCY, INFANTILE-ONSET; ACID MALTASE DEFICIENCY, INFANTILE-ONSET; CARDIOMEGALIA GLYCOGENICA DIFFUSA. Identifiers: Orphanet 365, MedGen C0017921, MONDO:0009290, OMIM 232300.

Allele frequency attached by ClinVar (database versions not stated): gnomAD exomes below 0.00001.
gnomAD v4.1: 2 of 1,610,764 alleles (0.00012%); highest among the groups gnomAD compares: Non-Finnish European, 0.00017%; no homozygotes.

Submissions (5):

ClinGen Lysosomal Storage Disorder Variant Curation Expert Panel
Classification: Likely pathogenic for Glycogen storage disease, type II. Last evaluated: 2025-08-05. Review status: reviewed by expert panel. Criteria: clingen_lsd_acmg_specifications_v2-1. Collection method: curation. Allele origin: germline. Inheritance: Autosomal recessive inheritance.
Comment: The NM_000152.5:c.2647-20T>G variant in GAA is an intronic variant predicted to result in a cryptic acceptor splice site 20 nucleotides upstream of exon 19. There has been one documented individual with this variant described as having late-onset Pompe disease with deficient GAA enzyme activity in dried blood spot and mild clinical symptoms (PMID: 23062590) (PP4_moderate). This individual is compound heterozygous for the variant and another variant in GAA that has been classified as pahtogenic by the Clingen LD VCEP, c.-32-13T>G (ClinVar Variation ID: 4027), phase unknown (PM3_supporting). RT-PCR by electrophoresis and direct sequencing of patient RNA extracted from muscle confirmed the creation of a cryptic splice acceptor site in intron 18, 20 bases upstream of exon 19. This leads to an insertion of 20 bases in the spliced mRNA and creates a frameshift resulting in a premature stop codon after 14 bases in exon 19. Gel electrophoresis showed misplaced produced in the patient samples that is slightly larger than the controls. (PVS1_Moderate). The computational splicing predictor SpliceAI gives a score of 1.0 for acceptor gain at this position, suggesting that the variant results in a cryptic splice acceptor site of intron 18 of GAA; however, PP3 was not applied to avoid double counting the experimental evidence. The highest population minor allele frequency in gnomAD v4.1.0. is 0.0000016 (2/1179754 alleles) in the Non-Finnish European population, which is lower than the ClinGen Lysosomal Diseases VCEP’s threshold for PM2_Supporting (<0.001), meeting this criterion (PM2_Supporting). There is a ClinVar entry for this variant (Variation ID: 555277, 2 star review status) with 3 submitters classifying the variant as likely pathogenic (2 submitters) or uncertain significance (1 submitter). In summary, this variant meets the criteria to be classified as likely pathogenic for Pompe disease based on the ACMG/AMP criteria applied, as specified by the ClinGen Lysosomal Diseases Variant Curation Expert Panel (Specifications Version 2.0): PP4_moderate, PVS1_moderate, PM3_supporting, PM2_supporting. (Classification approved by the ClinGen Lysosomal Diseases Variant Curation Expert Panel, August 5, 2025)

Genomenon, Inc
Classification: Uncertain significance for Glycogen storage disease, type II. Last evaluated: 2026-07-01. Review status: criteria provided, single submitter. Criteria: Genomenon Sequence Variant Interpretation Standards - Updated. Collection method: curation. Allele origin: germline. Affected: yes. Not counted in ClinVar's aggregate classification.
Comment: GAA c.2647-20T>G is an intronic variant located in the acceptor splice region of intron 18. This variant has been observed in at least one proband with a GAA-related disorder in the compound heterozygous and/or homozygous state (PMID:23062590). At least one splicing study has demonstrated that this variant results in aberrant splicing (PMID:23062590). It is absent or not present at a significant frequency in gnomAD. In conclusion, we classify GAA c.2647-20T>G as a variant of uncertain significance.

Mayo Clinic Laboratories, Mayo Clinic
Classification: Likely pathogenic. Last evaluated: 2023-01-26. Review status: criteria provided, single submitter. Criteria: ACMG Guidelines, 2015. Collection method: clinical testing. Allele origin: germline. Observed: 1 variant allele. Not counted in ClinVar's aggregate classification.
Comment: PP3, PP4, PM2_supporting, PM3_supporting, PS3

Genetic Services Laboratory, University of Chicago
Classification: Likely pathogenic. Last evaluated: 2021-09-17. Review status: criteria provided, single submitter. Criteria: ACMG Guidelines, 2015. Collection method: clinical testing. Allele origin: germline. Affected: yes. Not counted in ClinVar's aggregate classification.
Comment: The second sequence change, c.2647-20T>G, occurs in intron 18. This variant is absent from population databases including ExAC and gnomAD. This sequence change has been reported in the compound heterozygous state with the c.-32-13T>G variant in an individual with late-onset Pompe disease (PMID: 23062590). In-silico splice prediction programs predict that this sequence change likely affects normal splicing. Experimental studies demonstrated that this sequence change creates a splice acceptor site 20 bases upstream of exon 19. This leads to an insertion of 20 bases and creates a premature stop codon after 14 bases in exon 19 (PMID: 23062590). Based on these evidences, the c.2647-20T>G variant is classified as likely pathogenic.

Counsyl
Classification: Uncertain significance for Glycogen storage disease, type II. Last evaluated: 2017-11-27. Review status: flagged submission. Collection method: clinical testing. Allele origin: unknown. Not counted in ClinVar's aggregate classification.
ClinVar note: Reason: Conflicts with expert reviewed submission without evidence to support different classification

Literature cited by the submitters: PubMed 23062590 (cited by 3 submitters).

NM_000152.5(GAA):c.2647-20T>G

Gene: GAA (alpha glucosidase; plus strand). Cytogenetic location: 17q25.3.
Variant type: single nucleotide variant.
Coding change: c.2647-20T>G on transcript NM_000152.5 (MANE Select); 20 bases into the intron before coding-DNA position 2647, T replaced by G.
Molecular consequence: intron variant.
Genome position (GRCh38, 1-based): chr17:80,118,633, T>G. VCF-style: chr17-80118633-T-G. GRCh37 (hg19) VCF-style: chr17-78092432-T-G.
Other names: c.2647-20T>G (LRG_673t1, NM_001079803.3, NM_001079804.3).
Identifiers: ClinVar variation 555277 (VCV000555277.8), dbSNP rs1555603208, ClinGen allele CA658795296.